The following is an entry in ClinVar:

ClinVar aggregate classification (germline): Uncertain significance (1 of 4 stars; one submission).

Allele frequency attached by ClinVar (database versions not stated): TOPMed below 0.00001; gnomAD 0.00001; ExAC 0.00003; ESP Exome Variant Server 0.00008.
gnomAD v4.1: 32 of 1,613,768 alleles (0.002%); highest among the groups gnomAD compares: South Asian, 0.012%; no homozygotes.

Submission:

Labcorp Genetics (formerly Invitae), Labcorp
Classification: Uncertain significance. Last evaluated: 2022-03-05. Review status: criteria provided, single submitter. Criteria: Invitae Variant Classification Sherloc (09022015). Collection method: clinical testing. Allele origin: germline.
Comment: This sequence change replaces serine, which is neutral and polar, with leucine, which is neutral and non-polar, at codon 32 of the CIB2 protein (p.Ser32Leu). This variant is present in population databases (rs151260624, gnomAD 0.06%). This variant has not been reported in the literature in individuals affected with CIB2-related conditions. Algorithms developed to predict the effect of missense changes on protein structure and function are either unavailable or do not agree on the potential impact of this missense change (SIFT: "Not Available"; PolyPhen-2: "Benign"; Align-GVGD: "Not Available"). In summary, the available evidence is currently insufficient to determine the role of this variant in disease. Therefore, it has been classified as a Variant of Uncertain Significance.

NM_006383.4(CIB2):c.95C>T (p.Ser32Leu)

Gene: CIB2 (calcium and integrin binding family member 2; minus strand). Cytogenetic location: 15q25.1.
Variant type: single nucleotide variant.
Coding change: c.95C>T on transcript NM_006383.4 (MANE Select); coding-DNA position 95, C replaced by T.
Protein change: p.Ser32Leu; replaces serine 32 with leucine.
Molecular consequence: missense variant. On other transcripts: 5 prime UTR variant (1), intron variant (2).
Genome position (GRCh38, 1-based): chr15:78,111,268, G>A on the plus strand (C>T on the coding strand, the complement: CIB2 is on the minus strand). VCF-style: chr15-78111268-G-A. GRCh37 (hg19) VCF-style: chr15-78403610-G-A.
Other names: c.-35C>T (NM_001271888.2); c.52-1886C>T (NM_001271889.2); c.87-1759C>T (NM_001301224.2); short protein forms S32L.
Identifiers: ClinVar variation 1929458 (VCV001929458.2), dbSNP rs151260624, ClinGen allele CA7680338.
Genomic context (GRCh38, chr15:78,111,268, plus strand): 5'-ACGATGGGGCTCTTCCTGTAGTCCATTGGGACGAGGTTGGGGGCCAGCTCATAGAATCGC[G>A]AATGCAGCCTTGGAGGAAAGCAGAGAAAAAGCGCTGGAGGGGGTGCCATCCCTAAGCCCC-3'
Protein context (NP_006374.1, residues 22-42): FNKKDILKLH[Ser32Leu]RFYELAPNLV